The following is an entry in ClinVar:

ClinVar aggregate classification (germline): Pathogenic (1 of 4 stars; one submission).

Conditions:
Muscular dystrophy-dystroglycanopathy type B6 (MDDGB6). Also called: MUSCULAR DYSTROPHY-DYSTROGLYCANOPATHY (CONGENITAL WITH IMPAIRED INTELLECTUAL DEVELOPMENT), TYPE B, 6; MUSCULAR DYSTROPHY, CONGENITAL, LARGE-RELATED; MUSCULAR DYSTROPHY, CONGENITAL, TYPE 1D. Identifiers: MedGen C1837229, MONDO:0012138, OMIM 608840.

Submission:

Labcorp Genetics (formerly Invitae), Labcorp
Classification: Pathogenic for Muscular dystrophy-dystroglycanopathy type B6. Last evaluated: 2022-12-17. Review status: criteria provided, single submitter. Criteria: Invitae Variant Classification Sherloc (09022015). Collection method: clinical testing. Allele origin: unknown.
Comment: For these reasons, this variant has been classified as Pathogenic. This variant has not been reported in the literature in individuals affected with LARGE1-related conditions. This variant is a gross deletion of the genomic region encompassing exon(s) 6-7 of the LARGE1 gene. This deletion is out-of-frame, and is expected to create a premature termination codon and result in an absent or disrupted protein product. Loss-of-function variants in LARGE1 are known to be pathogenic (PMID: 12966029, 17878207).

Literature cited by the submitters: PubMed 12966029; PubMed 17878207.

NC_000022.10:g.(?_33960814)_(34000564_?)del

Gene: LARGE1 (LARGE xylosyl- and glucuronyltransferase 1; minus strand). Cytogenetic location: 22q12.3.
Variant type: Deletion.
Identifiers: ClinVar variation 3247657 (VCV003247657.1).